The following is an entry in ClinVar:

ClinVar aggregate classification (germline): Pathogenic (1 of 4 stars; one submission).

Conditions:
Early-infantile DEE. Also called: Early infantile epileptic encephalopathy; Ohtahara syndrome; Early infantile epileptic encephalopathy with suppression bursts. Identifiers: Orphanet 1934, MedGen C0393706, MONDO:0800491.

Submission:

Labcorp Genetics (formerly Invitae), Labcorp
Classification: Pathogenic for Early-infantile DEE. Last evaluated: 2025-02-26. Review status: criteria provided, single submitter. Criteria: Invitae Variant Classification Sherloc (09022015). Collection method: clinical testing. Allele origin: germline.
Comment: This sequence change replaces valine, which is neutral and non-polar, with methionine, which is neutral and non-polar, at codon 944 of the SCN1A protein (p.Val944Met). This variant is not present in population databases (gnomAD no frequency). This missense change has been observed in individual(s) with clinical features of SCN1A-related conditions (PMID: 35074891, 38174099; internal data). In at least one individual the variant was observed to be de novo. Invitae Evidence Modeling of protein sequence and biophysical properties (such as structural, functional, and spatial information, amino acid conservation, physicochemical variation, residue mobility, and thermodynamic stability) indicates that this missense variant is expected to disrupt SCN1A protein function with a positive predictive value of 95%. This variant disrupts the p.Val944 amino acid residue in SCN1A. Other variant(s) that disrupt this residue have been determined to be pathogenic (PMID: 14738421, 23195492). This suggests that this residue is clinically significant, and that variants that disrupt this residue are likely to be disease-causing. For these reasons, this variant has been classified as Pathogenic.

Literature cited by the submitters: PubMed 35074891; PubMed 38174099; PubMed 14738421; PubMed 23195492.

NM_001165963.4(SCN1A):c.2830G>A (p.Val944Met)

Gene: SCN1A (sodium voltage-gated channel alpha subunit 1; minus strand). Cytogenetic location: 2q24.3.
Variant type: single nucleotide variant.
Coding change: c.2830G>A on transcript NM_001165963.4 (MANE Select); coding-DNA position 2830, G replaced by A.
Protein change: p.Val944Met; replaces valine 944 with methionine.
Molecular consequence: missense variant. On other transcripts: non-coding transcript variant (1).
Genome position (GRCh38, 1-based): chr2:166,037,892, C>T on the plus strand (G>A on the coding strand, the complement: SCN1A is on the minus strand). VCF-style: chr2-166037892-C-T. GRCh37 (hg19) VCF-style: chr2-166894402-C-T.
Other names: c.2797G>A, p.Val933Met (NM_001353951.2, NM_001353952.2, NM_001353949.2 and 2 more transcripts); c.2794G>A, p.Val932Met (NM_001353954.2, NM_001353955.2); c.2746G>A, p.Val916Met (NM_001353957.2, NM_001353958.2, NM_001165964.3); c.2743G>A, p.Val915Met (NM_001353960.2); c.388G>A, p.Val130Met (NM_001353961.2); c.2830G>A, p.Val944Met (NM_001202435.3, NM_001353948.2); short protein forms V915M, V932M, V130M, V916M, V944M, V933M.
Identifiers: ClinVar variation 3634039 (VCV003634039.2).